The following is an entry in ClinVar:

NC_012920.1(MT-ATP6):m.9125C>T

Gene: MT-ATP6 (mitochondrially encoded ATP synthase 6; plus strand).
Variant type: single nucleotide variant.
Genome position: chrM-9125-C-T.
Identifiers: ClinVar variation 693100 (VCV000693100.1), dbSNP rs1603222109, ClinGen allele CA414802262.
Genomic context (GRCh38, chrMT:9,125, plus strand): 5'-CAATATCAACCATTAACCTTCCCTCTACACTTATCATCTTCACAATTCTAATTCTACTGA[C>T]TATCCTAGAAATCGCTGTCGCCTTAATCCAAGCCTACGTTTTCACACTTCTAGTAAGCCT-3'

ClinVar aggregate classification (germline): Uncertain significance (1 of 4 stars; one submission).

Conditions:
Leigh syndrome (NULS). Also called: Leigh's necrotizing encephalopathy; Leigh's disease; Leigh Syndrome (mtDNA deletion); Leigh Disease; Subacute necrotizing encephalopathy; Necrotizing encephalopathy infantile subacute of Leigh. Identifiers: Orphanet 506, MedGen C2931891, MONDO:0009723, OMIM 256000.

Submission:

Wong Mito Lab, Molecular and Human Genetics, Baylor College of Medicine
Classification: Uncertain significance for Leigh syndrome. Last evaluated: 2019-10-17. Review status: criteria provided, single submitter. Criteria: Modified ACMG Guidelines (Unpublished). Collection method: clinical testing. Allele origin: germline.
Comment: The NC_012920.1:m.9125C>T (YP_003024031.1:p.Thr200Ile) variant in MTATP6 gene is interpretated to be a Uncertain Significance variant based on the modified ACMG guidelines (unpublished). This variant meets the following evidence codes: PP4